The following is an entry in ClinVar:

ClinVar aggregate classification (germline): Benign/Likely benign. Review status: criteria provided, multiple submitters, no conflicts (2 of 4 stars). 4 submissions from 4 submitters: Benign (1); Likely benign (2). 1 of the submissions does not count toward it. Last evaluated 2026-05-01.

Conditions:
SCAPER-related disorder. Also called: SCAPER-related condition.

Allele frequency attached by ClinVar (database versions not stated): gnomAD exomes 0.00018 and 0.00049; ExAC 0.00052; gnomAD 0.00162 and 0.00181; TOPMed 0.00189; ESP Exome Variant Server 0.00209; 1000 Genomes Project 0.00240; 1000 Genomes Project 30x 0.00281.
gnomAD v4.1: 510 of 1,613,654 alleles (0.032%); highest among the groups gnomAD compares: African/African-American, 0.55%; 1 homozygote.

Submissions (4):

CeGaT Center for Human Genetics Tuebingen
Classification: Likely benign. Last evaluated: 2026-05-01. Review status: criteria provided, single submitter. Criteria: CeGaT Center For Human Genetics Tuebingen Variant Classification Criteria Version 2. Collection method: clinical testing. Allele origin: germline. Affected: yes. Observed: 1 variant allele.
Comment: SCAPER: BP4, BP7

Blueprint Genetics
Classification: Likely benign. Last evaluated: 2024-11-27. Review status: criteria provided, single submitter. Criteria: ACMG Guidelines, 2015. Collection method: clinical testing. Allele origin: germline.

Labcorp Genetics (formerly Invitae), Labcorp
Classification: Benign. Last evaluated: 2018-06-19. Review status: criteria provided, single submitter. Criteria: Invitae Variant Classification Sherloc (09022015). Collection method: clinical testing. Allele origin: germline.

PreventionGenetics, part of Exact Sciences
Classification: Likely benign for SCAPER-related condition. Last evaluated: 2024-07-17. Review status: no assertion criteria provided. Collection method: clinical testing. Allele origin: germline. Not counted in ClinVar's aggregate classification.
Comment: This variant is classified as likely benign based on ACMG/AMP sequence variant interpretation guidelines (Richards et al. 2015 PMID: 25741868, with internal and published modifications).

NM_020843.4(SCAPER):c.2457C>T (p.Ala819=)

Gene: SCAPER (S-phase cyclin A associated protein in the ER; minus strand). Cytogenetic location: 15q24.3.
Variant type: single nucleotide variant.
Coding change: c.2457C>T on transcript NM_020843.4 (MANE Select); coding-DNA position 2457, C replaced by T.
Protein change: p.Ala819=; no amino-acid change (alanine 819 retained).
Molecular consequence: synonymous variant. On other transcripts: non-coding transcript variant (1).
Genome position (GRCh38, 1-based): chr15:76,701,809, G>A on the plus strand (C>T on the coding strand, the complement: SCAPER is on the minus strand). VCF-style: chr15-76701809-G-A. GRCh37 (hg19) VCF-style: chr15-76994150-G-A.
Other names: c.2475C>T (NM_001353009.1); c.1719C>T, p.Ala573= (NM_001145923.2); c.2475C>T, p.Ala825= (NM_001353009.2); c.2055C>T, p.Ala685= (NM_001353010.2, NM_001353012.2); c.2073C>T, p.Ala691= (NM_001353011.2).
Identifiers: ClinVar variation 731802 (VCV000731802.8), dbSNP rs146898365, ClinGen allele CA7674701.
Genomic context (GRCh38, chr15:76,701,809, plus strand): 5'-AAAGTTTACCACTTCTTCATCTGACAGTTCACGCCCCTGGATGCTGGTATTCTCTCTCAC[G>A]GCTTGCTGGTGTTTTCTCCCTTTAACATGGCTAAAAAGATATACCTCTGAAGAGATCTGA-3'
Protein context (NP_065894.2, residues 809-829): SHVKGRKHQQ[Ala819=]VRENTSIQGR